The following continues an entry in ClinVar:

NM_000059.4(BRCA2):c.5768A>C (p.Asp1923Ala)

Gene: BRCA2. ClinVar aggregate classification (germline): Benign. Benign (1).

Submissions 21 to 26 of 26:

Breast Cancer Information Core (BIC) (BRCA2)
Classification: Uncertain significance for Breast-ovarian cancer, familial 2. Last evaluated: 2004-02-20. Review status: no assertion criteria provided. Collection method: clinical testing. Allele origin: germline. Affected: yes. Observed: 9 variant alleles. Not counted in ClinVar's aggregate classification.

Clinical Genetics DNA and cytogenetics Diagnostics Lab, Erasmus MC, Erasmus Medical Center
Classification: Likely benign. Review status: no assertion criteria provided. Collection method: clinical testing. Allele origin: germline. Affected: yes. Study: VKGL Data-share Consensus. Not counted in ClinVar's aggregate classification.

Clinical Genetics Laboratory, Department of Pathology, Netherlands Cancer Institute
Classification: Likely benign. Review status: no assertion criteria provided. Collection method: clinical testing. Allele origin: germline. Affected: yes. Study: VKGL Data-share Consensus. Not counted in ClinVar's aggregate classification.

Department of Pathology and Laboratory Medicine, Sinai Health System
Classification: Likely benign for Malignant tumor of breast. Review status: no assertion criteria provided. Collection method: clinical testing. Allele origin: unknown. Affected: yes. Study: The Canadian Open Genetics Repository (COGR). Not counted in ClinVar's aggregate classification.
Comment: The BRCA2 p.Asp1923Ala variant was identified in 12 of 5074 proband chromosomes (frequency: 0.002) from individuals or families with breast cancer (Borg 2010, Fackenthal 2012). The variant was also identified in dbSNP (ID: rs45491005) as â€šÃ„ÃºWith Uncertain significance, other alleleâ€šÃ„Ã¹, the ClinVar database (classified as benign by Invitae, Ambry Genetics, SCRP; likely benign by GeneDx, MMGLUM; uncertain significance by BIC), COGR database (classified as uncertain significance by one clinical laboratory), the BIC database (9x with unknown importance) and UMD (29x with a â€šÃ„Ãºlikely neutralâ€šÃ„Ã¹ classification). In UMD the variant was identified with a co-occurring pathogenic BRCA1 (c.2679_2682delGAAA, p.Lys893AsnfsX106) and BRCA2 variants (c.7558C>T, p.Arg2520X), increasing the likelihood that the p.Asp1923Ala variant does not have clinical significance. This variant was identified in the 1000 Genomes Project in 1 of 5000 chromosomes (frequency: 0.0002), the NHLBI GO Exome Sequencing Project in 13 of 4406 African American alleles, the Exome Aggregation Consortium database (August 8th 2016) and the Genome Aggregation Database (October 3, 2017) in 78 of 276432 chromosomes (freq. 0.0003). The variant was observed in the following populations: in 75 of 24020 African chromosomes (freq. 0.0003), â€šÃ„ÃºOtherâ€šÃ„Ã¹ in 2 of 6450 chromosomes (freq. 0.0003), and Latino in 1 of 34326 chromosomes (freq. 0.00001), but was not seen in Asian, European, or Finnish populations. The p.Asp1923 residue is not conserved in mammals and four out of five computational analyses (PolyPhen-2, SIFT, AlignGVGD, BLOSUM, MutationTaster) do not suggest a high likelihood of impact to the protein; however, this information is not predictive enough to rule out pathogenicity. The variant occurs outside of the splicing consensus sequence and in silico or computational prediction software programs (SpliceSiteFinder, MaxEntScan, NNSPLICE, GeneSplicer, HumanSpliceFinder) do not predict a difference in splicing. One study predicted the variant to abolish kinase binding; however this was only based on in silico results (Tram 2013). In summary, based on the above information, the clinical significance of this variant cannot be determined with certainty at this time although we would lean towards a more benign role for this variant. This variant is classified as likely benign.

Genome Diagnostics Laboratory, University Medical Center Utrecht
Classification: Likely benign. Review status: no assertion criteria provided. Collection method: clinical testing. Allele origin: germline. Affected: yes. Study: VKGL Data-share Consensus. Not counted in ClinVar's aggregate classification.

Laboratory of Diagnostic Genome Analysis, Leiden University Medical Center (LUMC)
Classification: Likely benign. Review status: no assertion criteria provided. Collection method: clinical testing. Allele origin: germline. Affected: yes. Study: VKGL Data-share Consensus. Not counted in ClinVar's aggregate classification.

Literature cited by the submitters: PubMed 36329109 (cited by Genetics Program, Instituto Nacional de Cancer); PubMed 20104584 (cited by Women's Health and Genetics/Laboratory Corporation of America, LabCorp); PubMed 21520273 (cited by Women's Health and Genetics/Laboratory Corporation of America, LabCorp); PubMed 18284688 (cited by Women's Health and Genetics/Laboratory Corporation of America, LabCorp); PubMed 10800284 (cited by Women's Health and Genetics/Laboratory Corporation of America, LabCorp); PubMed 22034289 (cited by Women's Health and Genetics/Laboratory Corporation of America, LabCorp); PubMed 23555315 (cited by Women's Health and Genetics/Laboratory Corporation of America, LabCorp); PubMed 23704879 (cited by Women's Health and Genetics/Laboratory Corporation of America, LabCorp); PubMed 234495 (cited by Women's Health and Genetics/Laboratory Corporation of America, LabCorp).